The following is an entry in ClinVar:

NM_014141.6(CNTNAP2):c.1192A>G (p.Ser398Gly)

Gene: CNTNAP2 (contactin associated protein 2; plus strand). Cytogenetic location: 7q35.
Variant type: single nucleotide variant.
Coding change: c.1192A>G on transcript NM_014141.6 (MANE Select); coding-DNA position 1192, A replaced by G.
Protein change: p.Ser398Gly; replaces serine 398 with glycine.
Molecular consequence: missense variant.
Genome position (GRCh38, 1-based): chr7:147,132,353, A>G. VCF-style: chr7-147132353-A-G. GRCh37 (hg19) VCF-style: chr7-146829445-A-G.
Other names: short protein forms S398G.
Identifiers: ClinVar variation 2443374 (VCV002443374.1), dbSNP rs1201319802, ClinGen allele CA369924677.

ClinVar aggregate classification (germline): Uncertain significance (1 of 4 stars; one submission).

Allele frequency attached by ClinVar (database versions not stated): gnomAD exomes below 0.00001.
gnomAD v4.1: 1 of 1,613,706 alleles (0.000062%); highest among the groups gnomAD compares: Admixed American, 0.0017%; no homozygotes.

Submission:

GeneDx
Classification: Uncertain significance. Last evaluated: 2023-03-12. Review status: criteria provided, single submitter. Criteria: GeneDx Variant Classification Process June 2021. Collection method: clinical testing. Allele origin: germline. Affected: yes.
Comment: Not observed at significant frequency in large population cohorts (gnomAD); In silico analysis supports that this missense variant does not alter protein structure/function; Has not been previously published as pathogenic or benign to our knowledge